The following is an entry in ClinVar:

ClinVar aggregate classification (germline): Uncertain significance (1 of 4 stars; one submission).

Allele frequency attached by ClinVar (database versions not stated): gnomAD exomes below 0.00001; ExAC 0.00001; gnomAD 0.00001; ESP Exome Variant Server 0.00008.

Submission:

Labcorp Genetics (formerly Invitae), Labcorp
Classification: Uncertain significance. Last evaluated: 2024-02-06. Review status: criteria provided, single submitter. Criteria: Invitae Variant Classification Sherloc (09022015). Collection method: clinical testing. Allele origin: germline.
Comment: This sequence change replaces leucine, which is neutral and non-polar, with phenylalanine, which is neutral and non-polar, at codon 405 of the FECH protein (p.Leu405Phe). This variant is present in population databases (rs371363582, gnomAD 0.007%). This variant has not been reported in the literature in individuals affected with FECH-related conditions. ClinVar contains an entry for this variant (Variation ID: 1485550). An algorithm developed to predict the effect of missense changes on protein structure and function (PolyPhen-2) suggests that this variant is likely to be disruptive. In summary, the available evidence is currently insufficient to determine the role of this variant in disease. Therefore, it has been classified as a Variant of Uncertain Significance.

NM_000140.5(FECH):c.1213C>T (p.Leu405Phe)

Gene: FECH (ferrochelatase; minus strand). Cytogenetic location: 18q21.31.
Variant type: single nucleotide variant.
Coding change: c.1213C>T on transcript NM_000140.5 (MANE Select); coding-DNA position 1213, C replaced by T.
Protein change: p.Leu405Phe; replaces leucine 405 with phenylalanine.
Molecular consequence: missense variant.
Genome position (GRCh38, 1-based): chr18:57,550,771, G>A on the plus strand (C>T on the coding strand, the complement: FECH is on the minus strand). VCF-style: chr18-57550771-G-A. GRCh37 (hg19) VCF-style: chr18-55218003-G-A.
Other names: c.1231C>T, p.Leu411Phe (NM_001012515.4); c.1114C>T, p.Leu372Phe (NM_001371094.1); c.997C>T, p.Leu333Phe (NM_001371095.1); c.1153C>T, p.Leu385Phe (NM_001374778.1); short protein forms L405F, L372F, L385F, L411F, L333F.
Identifiers: ClinVar variation 1485550 (VCV001485550.6), dbSNP rs371363582, ClinGen allele CA8972952.